The following is an entry in ClinVar:

ClinVar aggregate classification (germline): Pathogenic (1 of 4 stars; one submission).

Conditions:
Polyglucosan body myopathy type 1 (PGBM1). Also called: POLYGLUCOSAN BODY MYOPATHY WITHOUT IMMUNODEFICIENCY; Polyglucosan body myopathy 1 with or without immunodeficiency. Identifiers: Orphanet 329173, Orphanet 397937, MedGen C4014605, MONDO:0014389, OMIM 615895.

Submission:

Labcorp Genetics (formerly Invitae), Labcorp
Classification: Pathogenic for Polyglucosan body myopathy type 1. Last evaluated: 2023-12-18. Review status: criteria provided, single submitter. Criteria: Invitae Variant Classification Sherloc (09022015). Collection method: clinical testing. Allele origin: germline.
Comment: This sequence change creates a premature translational stop signal (p.Ala238Argfs*41) in the RBCK1 gene. It is expected to result in an absent or disrupted protein product. Loss-of-function variants in RBCK1 are known to be pathogenic (PMID: 2379848, 23104095, 23889995). This variant is not present in population databases (gnomAD no frequency). This variant has not been reported in the literature in individuals affected with RBCK1-related conditions. For these reasons, this variant has been classified as Pathogenic.

Literature cited by the submitters: PubMed 2379848; PubMed 23104095; PubMed 23889995.

NM_031229.4(RBCK1):c.701_708dup (p.Ala238fs)

Gene: RBCK1 (RANBP2-type and C3HC4-type zinc finger containing 1; plus strand). Cytogenetic location: 20p13.
Variant type: Duplication.
Coding change: c.701_708dup on transcript NM_031229.4 (MANE Select); coding-DNA positions 701 to 708, 8 bases duplicated (AGGAGGAG; older notation c.701_708dupAGGAGGAG).
Protein change: p.Ala238fs; shifts the reading frame from alanine 238.
Molecular consequence: frameshift variant. On other transcripts: non-coding transcript variant (1).
Genome position (GRCh38, 1-based): chr20:419,676-419,683, AGGAGGAG duplicated; duplicating any 8 consecutive bases within chr20:419,675-419,683 gives the same sequence; the c. name uses the placement nearest the transcript's 3' end. VCF-style (leftmost placement, unchanged base first): chr20-419674-C-CGAGGAGGA. GRCh37 (hg19) VCF-style: chr20-400318-C-CGAGGAGGA.
Other names: c.352_359dup, p.Ser120fs (NM_001323956.2, NM_001323958.2); c.752_759dup, p.Ala255fs (NM_001410770.1); c.575_582dup, p.Ala196fs (NM_006462.6); short protein forms A238fs, S120fs, A196fs, A255fs.
Identifiers: ClinVar variation 2703812 (VCV002703812.3), dbSNP rs2016252024, ClinGen allele CA2697547262.